The following is an entry in ClinVar:

ClinVar aggregate classification (germline): Uncertain significance (1 of 4 stars; one submission).

Conditions:
Inborn genetic diseases. Identifiers: MedGen C0950123, MeSH D030342.

gnomAD v4.1: 1 of 1,614,104 alleles (0.000062%); highest among the groups gnomAD compares: Admixed American, 0.0017%; no homozygotes.

Submission:

Ambry Genetics
Classification: Uncertain significance for Inborn genetic diseases. Last evaluated: 2024-06-23. Review status: criteria provided, single submitter. Criteria: Ambry Variant Classification Scheme 2023. Collection method: clinical testing. Allele origin: germline.
Comment: The p.A788S variant (also known as c.2362G>T), located in coding exon 16 of the MIB1 gene, results from a G to T substitution at nucleotide position 2362. The alanine at codon 788 is replaced by serine, an amino acid with similar properties. This amino acid position is conserved. In addition, the in silico prediction for this alteration is inconclusive. Based on the available evidence, the clinical significance of this variant remains unclear.

NM_020774.4(MIB1):c.2362G>T (p.Ala788Ser)

Gene: MIB1 (MIB E3 ubiquitin protein ligase 1; plus strand). Cytogenetic location: 18q11.2.
Variant type: single nucleotide variant.
Coding change: c.2362G>T on transcript NM_020774.4 (MANE Select); coding-DNA position 2362, G replaced by T.
Protein change: p.Ala788Ser; replaces alanine 788 with serine.
Molecular consequence: missense variant.
Genome position (GRCh38, 1-based): chr18:21,847,094, G>T. VCF-style: chr18-21847094-G-T. GRCh37 (hg19) VCF-style: chr18-19427055-G-T.
Other names: short protein forms A788S.
Identifiers: ClinVar variation 3294690 (VCV003294690.1).